The following is an entry in ClinVar:

ClinVar aggregate classification (germline): Uncertain significance. Review status: criteria provided, multiple submitters, no conflicts (2 of 4 stars). 2 submissions from 2 submitters: Uncertain significance (2). Last evaluated 2025-11-22.

Conditions:
Primary dilated cardiomyopathy (DCM). Also called: Dilated Cardiomyopathy. Identifiers: Orphanet 217604, MedGen C0007193, MeSH D002311, MONDO:0005021, HP:0001644. Inheritance: Various modes of inheritance.

Allele frequency attached by ClinVar (database versions not stated): TOPMed below 0.00001; ExAC 0.00001; gnomAD exomes 0.00001.
gnomAD v4.1: 9 of 1,614,040 alleles (0.00056%); highest among the groups gnomAD compares: Middle Eastern, 0.099%; no homozygotes.

Submissions (2):

Labcorp Genetics (formerly Invitae), Labcorp
Classification: Uncertain significance for Primary dilated cardiomyopathy. Last evaluated: 2025-11-22. Review status: criteria provided, single submitter. Criteria: Invitae Variant Classification Sherloc (09022015). Collection method: clinical testing. Allele origin: germline.
Comment: This sequence change replaces arginine, which is basic and polar, with glycine, which is neutral and non-polar, at codon 810 of the NEBL protein (p.Arg810Gly). This variant is present in population databases (rs746326308, gnomAD 0.003%). This variant has not been reported in the literature in individuals affected with NEBL-related conditions. ClinVar contains an entry for this variant (Variation ID: 2151073). An algorithm developed to predict the effect of missense changes on protein structure and function (PolyPhen-2) suggests that this variant is likely to be disruptive. In summary, the available evidence is currently insufficient to determine the role of this variant in disease. Therefore, it has been classified as a Variant of Uncertain Significance.

Ambry Genetics
Classification: Uncertain significance. Last evaluated: 2023-10-15. Review status: criteria provided, single submitter. Criteria: Ambry Variant Classification Scheme 2023. Collection method: clinical testing. Allele origin: germline.
Comment: The p.R810G variant (also known as c.2428A>G), located in coding exon 24 of the NEBL gene, results from an A to G substitution at nucleotide position 2428. The arginine at codon 810 is replaced by glycine, an amino acid with dissimilar properties. This amino acid position is conserved. In addition, this alteration is predicted to be tolerated by in silico analysis. Since supporting evidence is limited at this time, the clinical significance of this alteration remains unclear.

NM_006393.3(NEBL):c.2428A>G (p.Arg810Gly)

Gene: NEBL (nebulette; minus strand). Cytogenetic location: 10p12.31.
Variant type: single nucleotide variant.
Coding change: c.2428A>G on transcript NM_006393.3 (MANE Select); coding-DNA position 2428, A replaced by G.
Protein change: p.Arg810Gly; replaces arginine 810 with glycine.
Molecular consequence: missense variant.
Genome position (GRCh38, 1-based): chr10:20,812,859, T>C on the plus strand (A>G on the coding strand, the complement: NEBL is on the minus strand). VCF-style: chr10-20812859-T-C. GRCh37 (hg19) VCF-style: chr10-21101788-T-C.
Other names: c.439A>G, p.Arg147Gly (NM_001173484.2, NM_001377322.1, NM_213569.2); c.391A>G, p.Arg131Gly (NM_001377323.1); c.382A>G, p.Arg128Gly (NM_001377324.1); c.373A>G, p.Arg125Gly (NM_001377325.1); c.331A>G, p.Arg111Gly (NM_001377326.1, NM_001377327.1, NM_001377328.1); short protein forms R128G, R810G, R125G, R111G, R131G, R147G.
Identifiers: ClinVar variation 2151073 (VCV002151073.5), dbSNP rs746326308, ClinGen allele CA5432483.